The following is an entry in ClinVar:

NM_000243.3(MEFV):c.2282G>A (p.Arg761His)

Gene: MEFV (MEFV innate immunity regulator, pyrin; minus strand). Cytogenetic location: 16p13.3.
Variant type: single nucleotide variant.
Coding change: c.2282G>A on transcript NM_000243.3 (MANE Select); coding-DNA position 2282, G replaced by A.
Protein change: p.Arg761His; replaces arginine 761 with histidine.
Molecular consequence: missense variant. On other transcripts: 3 prime UTR variant (1).
Genome position (GRCh38, 1-based): chr16:3,243,205, C>T on the plus strand (G>A on the coding strand, the complement: MEFV is on the minus strand). VCF-style: chr16-3243205-C-T. GRCh37 (hg19) VCF-style: chr16-3293205-C-T.
Other names: c.*486G>A (NM_001198536.2); short protein forms R761H.
Identifiers: ClinVar variation 2549 (VCV000002549.115), dbSNP rs104895097, ClinGen allele CA280110.

ClinVar aggregate classification (germline): Pathogenic/Likely pathogenic. Review status: criteria provided, multiple submitters, no conflicts (2 of 4 stars). 41 submissions from 40 submitters: Pathogenic (28); Likely pathogenic (7). 6 of the submissions do not count toward it. Last evaluated 2026-09-01.

Conditions:
MEFV-related disorder. Also called: MEFV-related disorders; MEFV-related condition.
Autoinflammatory syndrome. Identifiers: Orphanet 93665, MedGen C3890737, MONDO:0019751.
Familial Mediterranean fever (FMF). Also called: Periodic peritonitis; Benign paroxysmal peritonitis; POLYSEROSITIS, FAMILIAL PAROXYSMAL; POLYSEROSITIS, RECURRENT. Identifiers: Orphanet 342, MedGen C0031069, MONDO:0018088, OMIM 249100. Disease mechanism: gain of function.
Familial Mediterranean fever, autosomal dominant. Also called: FMF, AUTOSOMAL DOMINANT; Dominant Familial Mediterranean Fever. Identifiers: Orphanet 342, MedGen C1851347, MONDO:0007601, OMIM 134610.
Acute febrile neutrophilic dermatosis (AFND). Also called: Sweet Syndrome; Gomm Button disease. Identifiers: Orphanet 3243, MedGen C0085077, MONDO:0011959, OMIM 608068.
Inborn genetic diseases. Identifiers: MedGen C0950123, MeSH D030342.

Allele frequency attached by ClinVar (database versions not stated): gnomAD exomes 0.00008 and 0.00020; TOPMed 0.00016; ExAC 0.00023; gnomAD 0.00010 and 0.00011.
gnomAD v4.1: 151 of 1,614,000 alleles (0.0094%); highest among the groups gnomAD compares: Middle Eastern, 0.082%; no homozygotes.

Submissions 1 to 13 of 41:

CeGaT Center for Human Genetics Tuebingen
Classification: Pathogenic. Last evaluated: 2026-09-01. Review status: criteria provided, single submitter. Criteria: CeGaT Center For Human Genetics Tuebingen Variant Classification Criteria Version 2. Collection method: clinical testing. Allele origin: germline. Affected: yes. Observed: 24 variant alleles.
Comment: MEFV: PM3:Very Strong, PM5, PM2:Supporting, PS3:Supporting, BP4

3billion
Classification: Pathogenic for Familial Mediterranean fever. Last evaluated: 2026-01-27. Review status: criteria provided, single submitter. Criteria: ACMG Guidelines, 2015. Collection method: clinical testing. Allele origin: germline. Affected: yes.
Comment: The variant is observed at an extremely low frequency in the gnomAD v4.1.0 dataset (total allele frequency: 0.009%). Predicted Consequence/Location: Missense variant Damaging effect on gene or gene product predicted by in silico programs is uncertain [REVEL: 0.35 (damaging >=0.6, benign <0.4), 3Cnet: 0.30 (damaging >0.75, benign <0.1)]. The same nucleotide change resulting in the same amino acid change has been previously reported as pathogenic/likely pathogenic with strong evidence (ClinVar ID: VCV000002549 /PMID: 9668175). A different missense change at the same codon (p.Arg761Ser) has been reported to be associated with MEFV-related disorder (PMID: 20217092). Therefore, this variant is classified as Pathogenic according to the recommendation of ACMG/AMP guideline.

Labcorp Genetics (formerly Invitae), Labcorp
Classification: Pathogenic for Familial Mediterranean fever. Last evaluated: 2026-01-25. Review status: criteria provided, single submitter. Criteria: Invitae Variant Classification Sherloc (09022015). Collection method: clinical testing. Allele origin: germline.
Comment: This sequence change replaces arginine, which is basic and polar, with histidine, which is basic and polar, at codon 761 of the MEFV protein (p.Arg761His). This variant is present in population databases (rs104895097, gnomAD 0.2%). This missense change has been observed in individual(s) with familial Mediterranean fever (PMID: 9668175, 17566872, 21413889, 23031807, 23038988, 23907647, 25393764, 26351556, 27980538). It has also been observed to segregate with disease in related individuals. ClinVar contains an entry for this variant (Variation ID: 2549). An algorithm developed to predict the effect of missense changes on protein structure and function outputs the following: PolyPhen-2: "Benign". The histidine amino acid residue is found in multiple mammalian species, which suggests that this missense change does not adversely affect protein function. For these reasons, this variant has been classified as Pathogenic.

Center for Genomic Medicine, Rigshospitalet, Copenhagen University Hospital
Classification: Likely pathogenic. Last evaluated: 2025-12-29. Review status: criteria provided, single submitter. Criteria: ACMG Guidelines, 2015. Collection method: clinical testing. Allele origin: germline.

Natera, Inc.
Classification: Pathogenic for Familial Mediterranean fever. Last evaluated: 2025-11-22. Review status: criteria provided, single submitter. Criteria: Natera Variant Classification Schema (03/2026). Collection method: clinical testing. Allele origin: germline.
Comment: The c.2282G>A variant in MEFV is a missense variant predicted to cause substitution of arginine to histidine at amino acid 761. This variant is rare in the general population with a frequency below the threshold expected for the associated phenotype(s). This variant has been observed in one or more individuals affected with the associated recessive disease, as either homozygous or compound heterozygous with a second variant (PMID: 22614345). Multiple computational prediction algorithms suggest this variant is unlikely to affect gene or protein function. Given the available evidence, this variant is classified as Pathogenic.

Revvity Omics, Revvity
Classification: Pathogenic. Last evaluated: 2025-05-07. Review status: criteria provided, single submitter. Criteria: ACMG Guidelines, 2015. Collection method: clinical testing. Allele origin: germline.

PreventionGenetics, part of Exact Sciences
Classification: Pathogenic for MEFV-related condition. Last evaluated: 2025-04-28. Review status: criteria provided, single submitter. Criteria: ACMG Guidelines, 2015. Collection method: clinical testing. Allele origin: germline.
Comment: The MEFV c.2282G>A variant is predicted to result in the amino acid substitution p.Arg761His. This variant has previously been reported in the compound heterozygous state in individuals who presented with familial Mediterranean fever (FMF; see Bernot et al. 1998. PubMed ID: 9668175; Moradian et al. 2014. PubMed ID: 23907647). This variant is reported in 0.19% of alleles in individuals of East Asian descent in gnomAD and is classified as pathogenic and likely pathogenic in ClinVar. We interpret this variant to be pathogenic.

ARUP Laboratories, Molecular Genetics and Genomics, ARUP Laboratories
Classification: Pathogenic. Last evaluated: 2025-04-24. Review status: criteria provided, single submitter. Criteria: ARUP Molecular Germline Variant Investigation Process 2024. Collection method: clinical testing. Allele origin: germline.
Comment: The MEFV c.2282G>A; p.Arg761His variant (rs104895097) has been described in the homozygous, heterozygous, and compound heterozygous states in individuals affected with familial Mediterranean fever (FMF; Berdeli 2011, Bernot 1998, Moradian 2014, Neocleous 2015, Ong 2013). It is reported as pathogenic in ClinVar (Variation ID: 2549) and observed in the general population at an overall frequency of 0.02% (58/282,828 alleles) in the Genome Aggregation Database. The arginine at codon 761 is weakly conserved, computational analyses are uncertain whether this variant is neutral or deleterious (REVEL: 0.352). Additionally, another variant at this codon (c.2281C>A; p.Arg761His) has been described in multiple individuals affected with FMF and is considered pathogenic (Ozalkaya 2011). Based on available information, the p.Arg761His variant is considered pathogenic. REFERENCES Berdeli A et al. Comprehensive analysis of a large-scale screen for MEFV gene mutations: do they truly provide a "heterozygote advantage" in Turkey? Genet Test Mol Biomarkers. 2011 Jul-Aug;15(7-8):475-82. Bernot A et al. Non-founder mutations in the MEFV gene establish this gene as the cause of familial Mediterranean fever (FMF). Hum Mol Genet. 1998 Aug;7(8):1317-25. Moradian M et al. Patient management and the association of less common familial Mediterranean fever symptoms with other disorders. Genet Med. 2014 Mar;16(3):258-63. Neocleous V et al. Familial Mediterranean fever associated with MEFV mutations in a large cohort of Cypriot patients. Ann Hum Genet. 2015 Jan;79(1):20-7. Ong F et al. The M694V mutation in Armenian-Americans: a 10-year retrospective study of MEFV mutation testing for familial Mediterranean fever at UCLA. Clin Genet. 2013 Jul;84(1):55-9. Ozalkaya E et al. Familial Mediterranean fever gene mutation frequencies and genotype-phenotype correlations in the Aegean region of Turkey. Rheumatol Int. 2011 Jun;31(6):779-84.

Dasa
Classification: Pathogenic. Last evaluated: 2025-04-12. Review status: criteria provided, single submitter. Criteria: DASA Assertion Criteria. Collection method: clinical testing. Allele origin: germline.
Comment: NM_000243.3(MEFV):c.2282G>A (p.Arg761His) is a missense variant that results in the substitution of arginine with histidine. Segregation evidence has been reported in affected families. This variant has been observed in affected individuals with related phenotype in a genotype context consistent with recessive disease (PMID: 9668175; PMID: 17566872; PMID: 21413889; PMID: 23031807; PMID: 23038988). This variant has been recurrently observed in individuals with related phenotype (PMID: 9668175; PMID: 17566872; PMID: 21413889; PMID: 23031807; PMID: 23038988). Multiple computational predictions suggest no deleterious effect on the gene or gene product. The variant is present at low frequency in population datasets. Based on the available data, this variant is classified as pathogenic.

Blueprint Genetics
Classification: Pathogenic for MEFV-related disorders. Last evaluated: 2024-10-30. Review status: criteria provided, single submitter. Criteria: ACMG Guidelines, 2015. Collection method: clinical testing. Allele origin: germline. Affected: yes. Observed: 5 variant alleles.

Baylor Genetics
Classification: Pathogenic for Familial Mediterranean fever, autosomal dominant. Last evaluated: 2024-03-27. Review status: criteria provided, single submitter. Criteria: ACMG Guidelines, 2015. Collection method: clinical testing. Allele origin: unknown.

Clinical Genetics Laboratory, Skane University Hospital Lund
Classification: Pathogenic. Last evaluated: 2024-02-09. Review status: criteria provided, single submitter. Criteria: ACMG Guidelines, 2015. Collection method: clinical testing. Allele origin: germline. Affected: yes.

Department of Human Genetics, Hannover Medical School
Classification: Likely pathogenic for Familial Mediterranean fever. Last evaluated: 2023-09-25. Review status: criteria provided, single submitter. Criteria: ACMG Guidelines, 2015. Collection method: clinical testing. Allele origin: germline. Inheritance: Autosomal recessive inheritance. Affected: yes.